The following is an entry in ClinVar:

ClinVar aggregate classification (germline): Uncertain significance (1 of 4 stars; one submission).

Submission:

GeneDx
Classification: Uncertain significance. Last evaluated: 2025-03-18. Review status: criteria provided, single submitter. Criteria: GeneDx Variant Classification Process June 2021. Collection method: clinical testing. Allele origin: germline. Affected: yes.
Comment: Not observed at significant frequency in large population cohorts (gnomAD); In silico analysis supports that this missense variant has a deleterious effect on protein structure/function; Has not been previously published as pathogenic or benign to our knowledge

NM_000719.7(CACNA1C):c.1138T>G (p.Trp380Gly)

Gene: CACNA1C (calcium voltage-gated channel subunit alpha1 C; plus strand). Cytogenetic location: 12p13.33.
Variant type: single nucleotide variant.
Coding change: c.1138T>G on transcript NM_000719.7 (MANE Select); coding-DNA position 1138, T replaced by G.
Protein change: p.Trp380Gly; replaces tryptophan 380 with glycine.
Molecular consequence: missense variant. On other transcripts: intron variant (4).
Genome position (GRCh38, 1-based): chr12:2,504,866, T>G. VCF-style: chr12-2504866-T-G. GRCh37 (hg19) VCF-style: chr12-2614032-T-G.
Other names: c.1138T>G, p.Trp380Gly (NM_001129827.2, NM_001129829.2, NM_001129830.3 and 14 more transcripts); c.1129T>G, p.Trp377Gly (NM_001129844.2); c.1217+327T>G (NM_001167624.3, NM_001167623.2, NM_001167625.2 and 1 more transcripts); short protein forms W377G, W380G.
Identifiers: ClinVar variation 1342106 (VCV001342106.4), dbSNP rs2154577561, ClinGen allele CA383370859.